The following is an entry in ClinVar:

ClinVar aggregate classification (germline): Conflicting classifications of pathogenicity. Review status: criteria provided, conflicting classifications (1 of 4 stars). 5 submissions from 4 submitters: Pathogenic (2); Likely pathogenic (2); Benign (1). Last evaluated 2025-08-05.

Conditions:
Androgen resistance syndrome (AIS). Also called: Androgen insensitivity; ANDROGEN RECEPTOR DEFICIENCY; DIHYDROTESTOSTERONE RECEPTOR DEFICIENCY; TESTICULAR FEMINIZATION SYNDROME; Androgen insensitivity syndrome due to coactivator deficiency; Androgen insensitivity syndrome. Identifiers: Orphanet 754, Orphanet 99429, MedGen C0039585, MONDO:0019154, OMIM 300068. Disease mechanism: loss of function.
Kennedy disease (SMAX1). Also called: SPINAL AND BULBAR MUSCULAR ATROPHY, X-LINKED 1; KENNEDY SPINAL AND BULBAR MUSCULAR ATROPHY; Spinal and Bulbar Muscular Atrophy. Identifiers: Orphanet 481, MedGen C1839259, MONDO:0010735, OMIM 313200.
Prostate cancer. Also called: Malignant tumor of prostate. Identifiers: Orphanet 1331, MedGen C0376358, MONDO:0008315, HP:0012125.
Hypospadias 1, X-linked (HYSP1). Identifiers: Orphanet 440, MedGen C2678098, MONDO:0010384, OMIM 300633.
Partial androgen insensitivity syndrome (PAIS). Also called: ANDROGEN INSENSITIVITY, PARTIAL, WITH OR WITHOUT BREAST CANCER; Gynecomastia, familial; Reifenstein syndrome; Pseudohermaphroditism, Incomplete male, type I; Reifenstein syndrome, partial; Androgen resistance syndrome, partial. Identifiers: Orphanet 90797, MedGen C0268301, MONDO:0010720, OMIM 312300.
Male infertility. Identifiers: MedGen C0021364, MeSH D007248, MONDO:0005372, HP:0003251.
Non-obstructive azoospermia. Identifiers: MedGen C4021107, HP:0011961.

Allele frequency attached by ClinVar (database versions not stated): gnomAD 0.00009 and 0.00011; TOPMed 0.00013; gnomAD exomes 0.00014 and 0.00005; ExAC 0.00018.
gnomAD v4.1: 159 of 1,182,301 alleles (0.013%); highest among the groups gnomAD compares: Middle Eastern, 0.16%; no homozygotes.

Submissions (5):

First Genomix Gene Laboratory, Genetic Diagnostics Department
Classification: Likely pathogenic for Androgen resistance syndrome; Partial androgen insensitivity syndrome; Hypospadias 1, X-linked. Last evaluated: 2025-08-05. Review status: criteria provided, single submitter. Criteria: ACMG Guidelines, 2015. Collection method: clinical testing. Allele origin: germline. Inheritance: X-linked recessive inheritance. Affected: no. Observed: 1 variant allele.

Labcorp Genetics (formerly Invitae), Labcorp
Classification: Benign for Kennedy disease; Androgen resistance syndrome. Last evaluated: 2024-02-22. Review status: criteria provided, single submitter. Criteria: Invitae Variant Classification Sherloc (09022015). Collection method: clinical testing. Allele origin: germline.

Institute of Reproductive Genetics, University of Münster
Classification: Pathogenic for Male infertility. Last evaluated: 2024-01-16. Review status: criteria provided, single submitter. Criteria: Uk Practice Guidelines For Variant Classification V4 01 2020. Collection method: research, in vitro. Allele origin: germline, not applicable. Observed: 1 variant allele, 1 hemizygote.

Mendelics
Classification: Pathogenic for Familial prostate cancer. Last evaluated: 2022-05-04. Review status: criteria provided, single submitter. Criteria: Mendelics Assertion Criteria 2019. Collection method: clinical testing. Allele origin: germline.

Institute of Reproductive Genetics, University of Münster
Classification: Likely pathogenic for Non-obstructive azoospermia. Last evaluated: 2021-08-23. Review status: criteria provided, single submitter. Criteria: ACMG Guidelines, 2015. Collection method: research. Allele origin: germline. Affected: yes. Observed: 1 variant allele.

NM_000044.6(AR):c.1301C>T (p.Ser434Phe)

Gene: AR (androgen receptor; plus strand). Cytogenetic location: Xq12.
Variant type: single nucleotide variant.
Coding change: c.1301C>T on transcript NM_000044.6 (MANE Select); coding-DNA position 1301, C replaced by T.
Protein change: p.Ser434Phe; replaces serine 434 with phenylalanine.
Molecular consequence: missense variant. On other transcripts: 5 prime UTR variant (1).
Genome position (GRCh38, 1-based): chrX:67,546,447, C>T. VCF-style: chrX-67546447-C-T. GRCh37 (hg19) VCF-style: chrX-66766289-C-T.
Other names: c.-483C>T (NM_001011645.3); c.1301C>T, p.Ser434Phe (NM_001348061.1, NM_001348063.1, NM_001348064.1); short protein forms S434F.
Identifiers: ClinVar variation 1167626 (VCV001167626.13), dbSNP rs748457992, ClinGen allele CA10436415.